The following is an entry in ClinVar:

NM_001371928.1(AHDC1):c.2693dup (p.Ala899fs)

Gene: AHDC1 (AT-hook DNA binding motif containing 1; minus strand). Cytogenetic location: 1p36.11.
Variant type: Duplication.
Coding change: c.2693dup on transcript NM_001371928.1 (MANE Select); coding-DNA position 2693, one base duplicated (T; older notation c.2693dupT).
Protein change: p.Ala899fs; shifts the reading frame from alanine 899.
Molecular consequence: frameshift variant.
Genome position (GRCh38, 1-based): chr1:27,549,423, A duplicated on the plus strand (T on the coding strand, the reverse complement: AHDC1 is on the minus strand). VCF-style (leftmost placement, unchanged base first): chr1-27549422-C-CA. GRCh37 (hg19) VCF-style: chr1-27875933-C-CA.
Other names: c.2693dup, p.Ala899fs (NM_001029882.3); short protein forms A899fs.
Identifiers: ClinVar variation 280775 (VCV000280775.2), dbSNP rs886041920, ClinGen allele CA10602768.

ClinVar aggregate classification (germline): Pathogenic (1 of 4 stars; one submission).

Submission:

GeneDx
Classification: Pathogenic. Last evaluated: 2016-08-04. Review status: criteria provided, single submitter. Criteria: GeneDx Variant Classification (06012015). Collection method: clinical testing. Allele origin: germline. Affected: yes.
Comment: The c.2693dupT pathogenic variant in the AHDC1 gene causes a frameshift starting with codon Alanine 899, changes this amino acid to a Glycine residue and creates a premature Stop codon at position 4 of the new reading frame, denoted p.A899GfsX4. This variant is predicted to cause loss of normal protein function through protein truncation, as the last 705 amino acids are replaced with 3 incorrect amino acids. It was not observed in approximately 6,500 individuals of European and African American ancestry in the NHLBI Exome Sequencing Project, indicating it is not a common benign variant in these populations.